The following is an entry in ClinVar:

ClinVar aggregate classification (germline): Uncertain significance. Review status: criteria provided, multiple submitters, no conflicts (2 of 4 stars). 3 submissions from 3 submitters: Uncertain significance (3). Last evaluated 2022-11-03.

Allele frequency attached by ClinVar (database versions not stated): TOPMed below 0.00001; gnomAD 0.00001; 1000 Genomes Project 30x 0.00016; 1000 Genomes Project 0.00020.
gnomAD v4.1: 2 of 1,614,200 alleles (0.00012%); highest among the groups gnomAD compares: East Asian, 0.0022%; no homozygotes.

Submissions (3):

Blueprint Genetics
Classification: Uncertain significance. Last evaluated: 2022-11-03. Review status: criteria provided, single submitter. Criteria: ACMG Guidelines, 2015. Collection method: clinical testing. Allele origin: germline.

Labcorp Genetics (formerly Invitae), Labcorp
Classification: Uncertain significance. Last evaluated: 2022-10-17. Review status: criteria provided, single submitter. Criteria: Invitae Variant Classification Sherloc (09022015). Collection method: clinical testing. Allele origin: germline.
Comment: In summary, the available evidence is currently insufficient to determine the role of this variant in disease. Therefore, it has been classified as a Variant of Uncertain Significance. Algorithms developed to predict the effect of missense changes on protein structure and function are either unavailable or do not agree on the potential impact of this missense change (SIFT: "Deleterious"; PolyPhen-2: "Probably Damaging"; Align-GVGD: "Class C0"). ClinVar contains an entry for this variant (Variation ID: 289321). This variant has not been reported in the literature in individuals affected with CNGA1-related conditions. This variant is not present in population databases (gnomAD no frequency). This sequence change replaces tyrosine, which is neutral and polar, with histidine, which is basic and polar, at codon 306 of the CNGA1 protein (p.Tyr306His).

Eurofins Ntd Llc (ga)
Classification: Uncertain significance. Last evaluated: 2016-08-08. Review status: criteria provided, single submitter. Criteria: EGL Classification Definitions 2015. Collection method: clinical testing. Allele origin: germline. Observed: 1 variant allele, 1 heterozygote.

NM_001379270.1(CNGA1):c.904T>C (p.Tyr302His)

Genes: CNGA1 (cyclic nucleotide gated channel subunit alpha 1; minus strand), LOC101927157 (uncharacterized LOC101927157; plus strand). Cytogenetic location: 4p12.
Variant type: single nucleotide variant.
Coding change: c.904T>C on transcript NM_001379270.1 (MANE Select); coding-DNA position 904, T replaced by C.
Protein change: p.Tyr302His; replaces tyrosine 302 with histidine.
Molecular consequence: missense variant.
Genome position (GRCh38, 1-based): chr4:47,937,578, A>G on the plus strand (T>C on the coding strand, the complement: CNGA1 is on the minus strand). VCF-style: chr4-47937578-A-G. GRCh37 (hg19) VCF-style: chr4-47939595-A-G.
Other names: c.904T>C, p.Tyr302His (NM_000087.5, NM_001142564.2); short protein forms Y302H.
Identifiers: ClinVar variation 289321 (VCV000289321.16), dbSNP rs534487862, ClinGen allele CA10606410.